The following is an entry in ClinVar:

ClinVar aggregate classification (germline): Uncertain significance (1 of 4 stars; one submission).

Submission:

Labcorp Genetics (formerly Invitae), Labcorp
Classification: Uncertain significance. Last evaluated: 2025-12-17. Review status: criteria provided, single submitter. Criteria: Invitae Variant Classification Sherloc (09022015). Collection method: clinical testing. Allele origin: germline.
Comment: This sequence change replaces threonine, which is neutral and polar, with alanine, which is neutral and non-polar, at codon 955 of the REST protein (p.Thr955Ala). This variant is not present in population databases (gnomAD no frequency). This variant has not been reported in the literature in individuals affected with REST-related conditions. An algorithm developed to predict the effect of missense changes on protein structure and function outputs the following: PolyPhen-2: "Benign". The alanine amino acid residue is found in multiple mammalian species, which suggests that this missense change does not adversely affect protein function. In summary, the available evidence is currently insufficient to determine the role of this variant in disease. Therefore, it has been classified as a Variant of Uncertain Significance.

NM_005612.5(REST):c.2863A>G (p.Thr955Ala)

Gene: REST (RE1 silencing transcription factor; plus strand). Cytogenetic location: 4q12.
Variant type: single nucleotide variant.
Coding change: c.2863A>G on transcript NM_005612.5 (MANE Select); coding-DNA position 2863, A replaced by G.
Protein change: p.Thr955Ala; replaces threonine 955 with alanine.
Molecular consequence: missense variant.
Genome position (GRCh38, 1-based): chr4:56,931,721, A>G. VCF-style: chr4-56931721-A-G. GRCh37 (hg19) VCF-style: chr4-57797887-A-G.
Other names: c.2863A>G, p.Thr955Ala (NM_001193508.2, NM_001363453.3); c.2779A>G, p.Thr927Ala (NM_001440532.1, NM_001440533.1); short protein forms T955A, T927A.
Identifiers: ClinVar variation 4772720 (VCV004772720.1).